The following is an entry in ClinVar:

NM_004426.3(PHC1):c.863A>G (p.His288Arg)

Gene: PHC1 (polyhomeotic homolog 1; plus strand). Cytogenetic location: 12p13.31.
Variant type: single nucleotide variant.
Coding change: c.863A>G on transcript NM_004426.3 (MANE Select); coding-DNA position 863, A replaced by G.
Protein change: p.His288Arg; replaces histidine 288 with arginine.
Molecular consequence: missense variant. On other transcripts: non-coding transcript variant (1).
Genome position (GRCh38, 1-based): chr12:8,930,685, A>G. VCF-style: chr12-8930685-A-G. GRCh37 (hg19) VCF-style: chr12-9083281-A-G.
Other names: c.863A>G, p.His288Arg (NM_001413738.1, NM_001413744.1, NM_001413745.1 and 4 more transcripts); c.857A>G, p.His286Arg (NM_001413739.1); c.839A>G, p.His280Arg (NM_001413740.1, NM_001413750.1, NM_001413751.1 and 1 more transcripts); c.752A>G, p.His251Arg (NM_001413741.1); c.707A>G, p.His236Arg (NM_001413742.1, NM_001413743.1); c.713A>G, p.His238Arg (NM_001413753.1, NM_001413754.1); short protein forms H251R, H280R, H288R, H238R, H236R, H286R.
Identifiers: ClinVar variation 4997910 (VCV004997910.1).

ClinVar aggregate classification (germline): Uncertain significance (1 of 4 stars; one submission).

Conditions:
PHC1-related disorder. Also called: PHC1-related condition.

gnomAD v4.1: 3 of 1,355,782 alleles (0.00022%); highest among the groups gnomAD compares: Admixed American, 0.0044%; no homozygotes.

Submission:

PreventionGenetics, part of Exact Sciences
Classification: Uncertain significance for PHC1-related condition. Last evaluated: 2026-04-14. Review status: criteria provided, single submitter. Criteria: ACMG Guidelines, 2015. Collection method: clinical testing. Allele origin: germline.
Comment: The PHC1 c.863A>G variant is predicted to result in the amino acid substitution p.His288Arg. To our knowledge, this variant has not been reported in the literature. This variant is reported in 0.0047% of alleles in individuals of Latino descent in gnomAD. At this time, the clinical significance of this variant is uncertain due to the absence of conclusive functional and genetic evidence.